The following is an entry in ClinVar:

NC_000016.10:g.(?_23629630)_(23630479_?)del

Gene: PALB2 (partner and localizer of BRCA2; minus strand). Cytogenetic location: 16p12.2.
Variant type: Deletion.
Identifiers: ClinVar variation 833454 (VCV000833454.7).

ClinVar aggregate classification (germline): Pathogenic (1 of 4 stars; one submission).

Conditions:
Familial cancer of breast. Also called: hereditary breast carcinoma; BREAST CANCER, FAMILIAL; Hereditary breast cancer. Identifiers: Orphanet 227535, MedGen C0346153, MONDO:0016419, OMIM 114480. Disease mechanism: loss of function.

Submission:

Labcorp Genetics (formerly Invitae), Labcorp
Classification: Pathogenic for Familial cancer of breast. Last evaluated: 2022-11-27. Review status: criteria provided, single submitter. Criteria: Invitae Variant Classification Sherloc (09022015). Collection method: clinical testing. Allele origin: germline.
Comment: For these reasons, this variant has been classified as Pathogenic. This variant has not been reported in the literature in individuals affected with PALB2-related conditions. This variant is a gross deletion of the genomic region encompassing exon(s) 5 of the PALB2 gene. This deletion is out-of-frame, and is expected to create a premature termination codon and result in an absent or disrupted protein product. Loss-of-function variants in PALB2 are known to be pathogenic (PMID: 17200668, 17200671, 17200672, 24136930, 25099575).

Literature cited by the submitters: PubMed 17200668; PubMed 17200671; PubMed 17200672; PubMed 24136930; PubMed 25099575.